The following is an entry in ClinVar:

ClinVar aggregate classification (germline): Benign. Review status: criteria provided, multiple submitters, no conflicts (2 of 4 stars). 2 submissions from 2 submitters: Benign (2). Last evaluated 2018-01-12.

Conditions:
Oculotrichoanal syndrome (MOTA). Also called: MARLES SYNDROME; Manitoba Oculotrichoanal (MOTA) Syndrome. Identifiers: Orphanet 2717, MedGen C1855425, MONDO:0009560, OMIM 248450.

Allele frequency attached by ClinVar (database versions not stated): TOPMed 0.61654; 1000 Genomes Project 30x 0.55778; gnomAD exomes 0.72222; 1000 Genomes Project 0.55631.

Submissions (2):

Illumina Laboratory Services, Illumina
Classification: Benign for Oculotrichoanal syndrome. Last evaluated: 2018-01-12. Review status: criteria provided, single submitter. Criteria: ICSL Variant Classification Criteria 13 December 2019. Collection method: clinical testing. Allele origin: germline.
Comment: This variant was observed in the ICSL laboratory as part of a predisposition screen in an ostensibly healthy population. It had not been previously curated by ICSL or reported in the Human Gene Mutation Database (HGMD: prior to June 1st, 2018), and was therefore a candidate for classification through an automated scoring system. Utilizing variant allele frequency, disease prevalence and penetrance estimates, and inheritance mode, an automated score was calculated to assess if this variant is too frequent to cause the disease. Based on the score and internal cut-off values, a variant classified as benign is not then subjected to further curation. The score for this variant resulted in a classification of benign for this disease.

Breakthrough Genomics
Classification: Benign. Review status: criteria provided, single submitter. Criteria: ACMG Guidelines, 2015. Collection method: not provided. Allele origin: germline. Inheritance: Autosomal recessive inheritance. Affected: yes.

NM_144966.5(FREM1):c.*2330C>G

Gene: FREM1 (FRAS1 related extracellular matrix 1; minus strand). Cytogenetic location: 9p22.3.
Variant type: single nucleotide variant.
Coding change: c.*2330C>G on transcript NM_144966.5; 2330 bases downstream of the stop codon, C replaced by G.
Genome position (GRCh38, 1-based): chr9:14,735,066, G>C on the plus strand (C>G on the coding strand, the complement: FREM1 is on the minus strand). VCF-style: chr9-14735066-G-C. GRCh37 (hg19) VCF-style: chr9-14735064-G-C.
Identifiers: ClinVar variation 366057 (VCV000366057.8), dbSNP rs2270526, ClinGen allele CA10629682.